The following is an entry in ClinVar:

ClinVar aggregate classification (germline): Likely pathogenic (1 of 4 stars; one submission).

Submission:

Dasa
Classification: Likely pathogenic. Last evaluated: 2026-04-13. Review status: criteria provided, single submitter. Criteria: DASA Assertion Criteria. Collection method: clinical testing. Allele origin: germline.
Comment: NM_024422.6(DSC2):c.1951dup (p.Thr651Asnfs*5) is a frameshift variant in DSC2 predicted to alter the reading frame and introduce a premature termination codon and is predicted to result in an absent or altered protein product. Loss of function is an established disease mechanism for DSC2-associated disorders. Also, this variant is rare in population databases. Based on the currently available evidence, this variant is classified as likely pathogenic.

NM_024422.6(DSC2):c.1951dup (p.Thr651fs)

Gene: DSC2 (desmocollin 2; minus strand). Cytogenetic location: 18q12.1.
Variant type: Duplication.
Coding change: c.1951dup on transcript NM_024422.6 (MANE Select); coding-DNA position 1951, one base duplicated (A; older notation c.1951dupA).
Protein change: p.Thr651fs; shifts the reading frame from threonine 651.
Molecular consequence: frameshift variant.
Genome position (GRCh38, 1-based): chr18:31,071,779, T duplicated on the plus strand (A on the coding strand, the reverse complement: DSC2 is on the minus strand); the first of 2 consecutive T bases (chr18:31,071,779-31,071,780); duplicating either gives the same sequence. VCF-style (leftmost placement, unchanged base first): chr18-31071778-G-GT. GRCh37 (hg19) VCF-style: chr18-28651744-G-GT.
Other names: c.1522dup, p.Thr508fs (NM_001406506.1, NM_001406507.1); c.1951dup, p.Thr651fs (NM_004949.5); short protein forms T508fs, T651fs.
Identifiers: ClinVar variation 4886514 (VCV004886514.2).
Genomic context (GRCh38, chr18:31,071,778, plus strand): 5'-CAGTCACACAGTGTAACATCCAATGAAGTGACACTAGACATGCCAAGTCTATCTCTCACT[G>GT]TTATAGGTACTACATATGAGCCAAATGGAGGATCATTCTGATAGGAAAGACGTGCTGCTG-3'